The following is an entry in ClinVar:

NM_000294.3(PHKG2):c.585G>A (p.Ala195=)

Gene: PHKG2 (phosphorylase kinase catalytic subunit gamma 2; plus strand). Cytogenetic location: 16p11.2.
Variant type: single nucleotide variant.
Coding change: c.585G>A on transcript NM_000294.3 (MANE Select); coding-DNA position 585, G replaced by A.
Protein change: p.Ala195=; no amino-acid change (alanine 195 retained).
Molecular consequence: synonymous variant.
Genome position (GRCh38, 1-based): chr16:30,756,210, G>A. VCF-style: chr16-30756210-G-A. GRCh37 (hg19) VCF-style: chr16-30767531-G-A.
Other names: p.Ala195=; c.585G>A, p.Ala195= (NM_001172432.2).
Identifiers: ClinVar variation 255785 (VCV000255785.19), dbSNP rs187710792, ClinGen allele CA8013242.
Genomic context (GRCh38, chr16:30,756,210, plus strand): 5'-GCATCCCCTCAATCTTGGTCCTCTCTCCCCAGAGTTGTGTGGGACCCCAGGGTATCTAGC[G>A]CCAGAGATCCTTAAATGCTCCATGGATGAAACCCACCCAGGCTATGGCAAGGAGGTCGAC-3'
Protein context (NP_000285.1, residues 185-205): RELCGTPGYL[Ala195=]PEILKCSMDE

ClinVar aggregate classification (germline): Conflicting classifications of pathogenicity. Review status: criteria provided, conflicting classifications (1 of 4 stars). 6 submissions from 6 submitters: Uncertain significance (1); Benign (1); Likely benign (4). Last evaluated 2026-01-28.

Conditions:
Glycogen storage disease IXc (GSD9C). Also called: GSD IXc. Identifiers: Orphanet 264580, MedGen C2751643, MONDO:0013091, OMIM 613027.

Allele frequency attached by ClinVar (database versions not stated): gnomAD exomes 0.00013 and 0.00041; ESP Exome Variant Server 0.00015; ExAC 0.00034; gnomAD 0.00034 and 0.00038; 1000 Genomes Project 0.00040; TOPMed 0.00049; 1000 Genomes Project 30x 0.00062.

Submissions (6):

Labcorp Genetics (formerly Invitae), Labcorp
Classification: Benign for Glycogen storage disease IXc. Last evaluated: 2026-01-28. Review status: criteria provided, single submitter. Criteria: Invitae Variant Classification Sherloc (09022015). Collection method: clinical testing. Allele origin: germline.

Mayo Clinic Laboratories, Mayo Clinic
Classification: Likely benign. Last evaluated: 2024-11-29. Review status: criteria provided, single submitter. Criteria: ACMG Guidelines, 2015. Collection method: clinical testing. Allele origin: germline. Observed: 1 variant allele.
Comment: BS1, BP4, BP7

Blueprint Genetics
Classification: Likely benign. Last evaluated: 2024-11-08. Review status: criteria provided, single submitter. Criteria: ACMG Guidelines, 2015. Collection method: clinical testing. Allele origin: germline.

Illumina Laboratory Services, Illumina
Classification: Uncertain significance for Glycogen storage disease IXc. Last evaluated: 2018-01-12. Review status: criteria provided, single submitter. Criteria: ICSL Variant Classification Criteria 13 December 2019. Collection method: clinical testing. Allele origin: germline.

GeneDx
Classification: Likely benign. Last evaluated: 2017-07-05. Review status: criteria provided, single submitter. Criteria: GeneDx Variant Classification (06012015). Collection method: clinical testing. Allele origin: germline. Affected: yes.
Comment: This variant is considered likely benign or benign based on one or more of the following criteria: it is a conservative change, it occurs at a poorly conserved position in the protein, it is predicted to be benign by multiple in silico algorithms, and/or has population frequency not consistent with disease.

PreventionGenetics, part of Exact Sciences
Classification: Likely benign. Review status: criteria provided, single submitter. Criteria: ACMG Guidelines, 2015. Collection method: clinical testing. Allele origin: germline.